The following is an entry in ClinVar:

ClinVar aggregate classification (germline): Uncertain significance. Review status: criteria provided, multiple submitters, no conflicts (2 of 4 stars). 4 submissions from 4 submitters: Uncertain significance (4). Last evaluated 2025-11-06.

Conditions:
Inborn genetic diseases. Identifiers: MedGen C0950123, MeSH D030342.
Fetal akinesia deformation sequence 1 (FADS1). Also called: Fetal akinesia sequence; Pena-Shokeir syndrome type I. Identifiers: Orphanet 994, MedGen C1276035, MONDO:0100101, OMIM 208150, HP:0001989.
Congenital myasthenic syndrome 10. Also called: Myasthenia, limb-girdle, familial. Identifiers: Orphanet 590, MedGen C1850792, MONDO:0009690, OMIM 254300.

Allele frequency attached by ClinVar (database versions not stated): TOPMed 0.00002; gnomAD 0.00006; ESP Exome Variant Server 0.00008.
gnomAD v4.1: 32 of 1,552,870 alleles (0.0021%); highest among the groups gnomAD compares: Middle Eastern, 0.017%; no homozygotes.

Submissions (4):

Ambry Genetics
Classification: Uncertain significance for Inborn genetic diseases. Last evaluated: 2025-11-06. Review status: criteria provided, single submitter. Criteria: Ambry Variant Classification Scheme 2023. Collection method: clinical testing. Allele origin: germline.

Labcorp Genetics (formerly Invitae), Labcorp
Classification: Uncertain significance for Congenital myasthenic syndrome 10; Fetal akinesia deformation sequence 1. Last evaluated: 2024-10-19. Review status: criteria provided, single submitter. Criteria: Invitae Variant Classification Sherloc (09022015). Collection method: clinical testing. Allele origin: germline.
Comment: This sequence change replaces arginine, which is basic and polar, with tryptophan, which is neutral and slightly polar, at codon 325 of the DOK7 protein (p.Arg325Trp). This variant is present in population databases (rs376280466, gnomAD 0.008%). This variant has not been reported in the literature in individuals affected with DOK7-related conditions. ClinVar contains an entry for this variant (Variation ID: 534119). Invitae Evidence Modeling of protein sequence and biophysical properties (such as structural, functional, and spatial information, amino acid conservation, physicochemical variation, residue mobility, and thermodynamic stability) indicates that this missense variant is expected to disrupt DOK7 protein function with a positive predictive value of 80%. In summary, the available evidence is currently insufficient to determine the role of this variant in disease. Therefore, it has been classified as a Variant of Uncertain Significance.

Women's Health and Genetics/Laboratory Corporation of America, LabCorp
Classification: Uncertain significance. Last evaluated: 2022-05-03. Review status: criteria provided, single submitter. Criteria: LabCorp Variant Classification Summary - May 2015. Collection method: clinical testing. Allele origin: germline.

GeneDx
Classification: Uncertain significance. Last evaluated: 2021-11-11. Review status: criteria provided, single submitter. Criteria: GeneDx Variant Classification Process June 2021. Collection method: clinical testing. Allele origin: germline. Affected: yes.
Comment: Not observed at significant frequency in large population cohorts (gnomAD); In silico analysis supports that this missense variant has a deleterious effect on protein structure/function; Has not been previously published as pathogenic or benign to our knowledge

NM_173660.5(DOK7):c.973C>T (p.Arg325Trp)

Gene: DOK7 (docking protein 7; plus strand). Cytogenetic location: 4p16.3.
Variant type: single nucleotide variant.
Coding change: c.973C>T on transcript NM_173660.5 (MANE Select); coding-DNA position 973, C replaced by T.
Protein change: p.Arg325Trp; replaces arginine 325 with tryptophan.
Molecular consequence: missense variant. On other transcripts: 3 prime UTR variant (1).
Genome position (GRCh38, 1-based): chr4:3,492,959, C>T. VCF-style: chr4-3492959-C-T. GRCh37 (hg19) VCF-style: chr4-3494686-C-T.
Other names: c.*194C>T (NM_001164673.2); c.43C>T, p.Arg15Trp (NM_001256896.2); c.973C>T, p.Arg325Trp (NM_001301071.2); c.541C>T, p.Arg181Trp (NM_001363811.2); short protein forms R325W, R15W, R181W.
Identifiers: ClinVar variation 534119 (VCV000534119.12), dbSNP rs376280466, ClinGen allele CA2829312.